The following is an entry in ClinVar:

NM_001368894.2(PAX6):c.1074+3_1074+6del

Gene: PAX6 (paired box 6; minus strand). Cytogenetic location: 11p13.
Variant type: Microsatellite.
Coding change: c.1074+3_1074+6del on transcript NM_001368894.2 (MANE Select); bases 3 to 6 of the intron after coding-DNA position 1074, 4 bases deleted (AAGT; older notation c.1074+3_1074+6delAAGT).
Molecular consequence: splice donor variant. On other transcripts: frameshift variant (1).
Genome position (GRCh38, 1-based): chr11:31,793,432-31,793,435, ACTT deleted on the plus strand (AAGT on the coding strand, the reverse complement: PAX6 is on the minus strand); deleting any 4 consecutive bases within chr11:31,793,432-31,793,439 gives the same sequence; the c. name uses the placement nearest the transcript's 3' end. VCF-style (leftmost placement, unchanged base first): chr11-31793431-CACTT-C. GRCh37 (hg19) VCF-style: chr11-31814979-CACTT-C.
Other names: c.1035_1038del, p.Ser346fs (NM_001310159.1); c.1032+3_1032+6del (NM_001127612.3, NM_001368890.2, NM_001368888.2 and 9 more transcripts); c.873+3_873+6del (NM_001368921.2, NM_001368923.2, NM_001368926.2 and 4 more transcripts); c.1074+3_1074+6del (NM_001258462.3, NM_001310158.2, NM_001258463.2 and 6 more transcripts); c.1149+3_1149+6del (NM_001368919.2, NM_001368918.2); c.1275+3_1275+6del (NM_001368910.2); c.624+3_624+6del (NM_001368909.2, NM_001368904.2, NM_001368905.2 and 11 more transcripts); c.1077+3_1077+6del (NM_001368911.2); and 3 more; short protein forms S346fs.
Identifiers: ClinVar variation 1678756 (VCV001678756.8), dbSNP rs2134572801, ClinGen allele CA2580615650.
Genomic context (GRCh38, chr11:31,793,431, plus strand): 5'-CAGGCCCTGAGCCACTCCTCACTTCTCTGGGGCCTGGGTTATGCAGGCCACCACCAGCCG[CACTT>C]ACTTGCATAGGCAGGTTATTTGCCATGGTGAAGCTGGGCATAGGCGGCAGAGCGCTGTAG-3'

ClinVar aggregate classification (germline): Conflicting classifications of pathogenicity. Review status: criteria provided, conflicting classifications (1 of 4 stars). 2 submissions from 2 submitters: Likely pathogenic (1); Uncertain significance (1). Last evaluated 2025-10-23.

Conditions:
Aniridia 1 (AN1). Identifiers: Orphanet 250923, MedGen C0344542, MONDO:0024507, OMIM 106210.
Irido-corneo-trabecular dysgenesis (ASGD5). Also called: ANTERIOR SEGMENT DYSGENESIS 5. Identifiers: Orphanet 708, MedGen C0344559, MONDO:0011414, OMIM 604229, HP:0000659.

Submissions (2):

Labcorp Genetics (formerly Invitae), Labcorp
Classification: Likely pathogenic for Aniridia 1; Irido-corneo-trabecular dysgenesis. Last evaluated: 2025-10-23. Review status: criteria provided, single submitter. Criteria: Invitae Variant Classification Sherloc (09022015). Collection method: clinical testing. Allele origin: germline.
Comment: This sequence change falls in intron 11 of the PAX6 gene. It does not directly change the encoded amino acid sequence of the PAX6 protein. It affects a nucleotide within the consensus splice site. This variant is not present in population databases (gnomAD no frequency). This variant has been observed in individuals with aniridia (PMID: 10862096; internal data). Variants that disrupt the consensus splice site are a relatively common cause of aberrant splicing (PMID: 17576681, 9536098). Algorithms developed to predict the effect of sequence changes on RNA splicing suggest that this variant may disrupt the consensus splice site. In summary, the currently available evidence indicates that the variant is pathogenic, but additional data are needed to prove that conclusively. Therefore, this variant has been classified as Likely Pathogenic.

GeneDx
Classification: Uncertain significance. Last evaluated: 2022-04-22. Review status: criteria provided, single submitter. Criteria: GeneDx Variant Classification Process June 2021. Collection method: clinical testing. Allele origin: germline. Affected: yes.
Comment: Not observed in large population cohorts (gnomAD); In silico analysis supports a deleterious effect on splicing; Other splice variants altering this donor site have been reported in the Human Gene Mutation Database (HGMD); This variant is associated with the following publications: (PMID: 10862096)

Literature cited by the submitters: PubMed 10862096 (cited by Labcorp Genetics (formerly Invitae), Labcorp); PubMed 17576681 (cited by Labcorp Genetics (formerly Invitae), Labcorp); PubMed 9536098 (cited by Labcorp Genetics (formerly Invitae), Labcorp).